The following is an entry in ClinVar:

NM_001379500.1(COL18A1):c.107-12128C>T

Gene: COL18A1 (collagen type XVIII alpha 1 chain; plus strand). Cytogenetic location: 21q22.3.
Variant type: single nucleotide variant.
Coding change: c.107-12128C>T on transcript NM_001379500.1 (MANE Select); 12128 bases into the intron before coding-DNA position 107, C replaced by T.
Molecular consequence: intron variant. On other transcripts: missense variant (2).
Genome position (GRCh38, 1-based): chr21:45,456,114, C>T. VCF-style: chr21-45456114-C-T. GRCh37 (hg19) VCF-style: chr21-46876028-C-T.
Other names: c.584C>T, p.Pro195Leu (NM_030582.4, NM_130444.3); short protein forms P195L.
Identifiers: ClinVar variation 1938546 (VCV001938546.3), dbSNP rs771013645, ClinGen allele CA10065520.

ClinVar aggregate classification (germline): Uncertain significance (1 of 4 stars; one submission).

Allele frequency attached by ClinVar (database versions not stated): TOPMed below 0.00001; ExAC 0.00001; gnomAD 0.00002; gnomAD exomes 0.00002.

Submission:

Labcorp Genetics (formerly Invitae), Labcorp
Classification: Uncertain significance. Last evaluated: 2022-06-08. Review status: criteria provided, single submitter. Criteria: Invitae Variant Classification Sherloc (09022015). Collection method: clinical testing. Allele origin: germline.
Comment: The COL18A1 gene has multiple clinically relevant transcripts. This variant occurs in alternate transcript NM_030582.4, and corresponds to NM_130445.3:c.107-12128C>T in the primary transcript. In summary, the available evidence is currently insufficient to determine the role of this variant in disease. Therefore, it has been classified as a Variant of Uncertain Significance. Experimental studies and prediction algorithms are not available or were not evaluated, and the functional significance of this variant is currently unknown. This variant has not been reported in the literature in individuals affected with COL18A1-related conditions. This variant is present in population databases (rs771013645, gnomAD 0.004%). This sequence change replaces proline, which is neutral and non-polar, with leucine, which is neutral and non-polar, at codon 195 of the COL18A1 protein (p.Pro195Leu).